The following is an entry in ClinVar:

NM_000142.5(FGFR3):c.2419T>G (p.Ter807Gly)

Gene: FGFR3 (fibroblast growth factor receptor 3; plus strand). Cytogenetic location: 4p16.3.
Variant type: single nucleotide variant.
Coding change: c.2419T>G on transcript NM_000142.5 (MANE Select); coding-DNA position 2419, T replaced by G.
Protein change: p.Ter807Gly.
Molecular consequence: stop lost. On other transcripts: missense variant (1), non-coding transcript variant (1).
Genome position (GRCh38, 1-based): chr4:1,807,260, T>G. VCF-style: chr4-1807260-T-G. GRCh37 (hg19) VCF-style: chr4-1808987-T-G.
Other names: *807G; *809G; *695G; *808G; c.2425T>G, p.Ter809Gly (NM_001163213.2); c.2422T>G, p.Ter808Gly (NM_001354809.2); c.2351T>G, p.Val784Gly (NM_001354810.2); c.2083T>G, p.Ter695Gly (NM_022965.4); short protein forms V784G.
Identifiers: ClinVar variation 16334 (VCV000016334.54), dbSNP rs121913101, ClinGen allele CA341401.

ClinVar aggregate classification (germline): Pathogenic. Review status: criteria provided, multiple submitters, no conflicts (2 of 4 stars). 9 submissions from 9 submitters: Pathogenic (5). 4 of the submissions do not count toward it. Last evaluated 2026-06-23.

Conditions:
FGFR3-related chondrodysplasia. Identifiers: Orphanet 93420, MedGen C5681604, MONDO:0019685.
FGFR3-related disorder. Also called: FGFR3-related disorders.
Thanatophoric dysplasia type 1 (TD1). Also called: PLATYSPONDYLIC LETHAL SKELETAL DYSPLASIA, SAN DIEGO TYPE; Thanatophoric Dysplasia Type 1 (TD Type 1); LETHAL SHORT-LIMBED PLATYSPONDYLIC DWARFISM, SAN DIEGO TYPE. Identifiers: Orphanet 1860, Orphanet 2655, MedGen C1868678, MONDO:0008546, OMIM 187600. Disease mechanism: gain of function.

Submissions (9):

Genomenon, Inc
Classification: Pathogenic for FGFR3-related chondrodysplasia. Last evaluated: 2026-06-23. Review status: criteria provided, single submitter. Criteria: Genomenon Sequence Variant Interpretation Standards - Updated. Collection method: curation. Allele origin: germline. Affected: yes.
Comment: FGFR3 p.Ter807GlyextTer101 (c.2419T>G) is a stop-loss variant that results in a C-terminal protein extension. This variant has been observed in at least one proband with an FGFR3-related disorder (PMID:30692697;28254233;25614871;7647778). A de novo occurrence of this variant has been observed in at least one affected individual (PMID:30692697;7647778). It is absent or not present at a significant frequency in gnomAD. Other cDNA changes resulting in a similar C-terminal extension have been determined to be pathogenic. In conclusion, we classify FGFR3 p.Ter807GlyextTer101 (c.2419T>G) as a pathogenic variant.

PreventionGenetics, part of Exact Sciences
Classification: Pathogenic for FGFR3-related condition. Last evaluated: 2025-10-28. Review status: criteria provided, single submitter. Criteria: ACMG Guidelines, 2015. Collection method: clinical testing. Allele origin: germline.
Comment: The FGFR3 c.2419T>G variant is predicted to result in extension of the open reading frame (p.*807Glyext*101). This variant is predicted to result in extension of the open reading frame (p.*807Glyext*101). This variant was also reported as p.*807G in the literature. This variant has been documented to be causative for thanatophoric dysplasia (Foldynova-Trantirkova et al. 2012. PubMed ID: 22045636; Xue et al. 2014. PubMed ID: 25614871; Chen et al. 2017. PubMed ID: 28254233; Zhang et al. 2019. PubMed ID: 30692697). In addition, other variants affecting the same codon (*807) have been reported as causative for thanatophoric dysplasia (Passos-Bueno et al. 1999. PubMed ID: 10425034; Baujat et al. 2008. PubMed ID: 18328977; Foldynova-Trantirkova et al. 2012. PubMed ID: 22045636). This variant has not been reported in a large population database (gnomAD), indicating this variant is rare. This variant is interpreted as pathogenic.

Blueprint Genetics
Classification: Pathogenic for FGFR3-related disorders. Last evaluated: 2024-06-07. Review status: criteria provided, single submitter. Criteria: ACMG Guidelines, 2015. Collection method: clinical testing. Allele origin: de novo. Affected: yes. Observed: 2 variant alleles.

GeneDx
Classification: Pathogenic. Last evaluated: 2023-12-12. Review status: criteria provided, single submitter. Criteria: GeneDx Variant Classification Process June 2021. Collection method: clinical testing. Allele origin: germline. Affected: yes.
Comment: Identified in multiple other patients with thantophoric dysplsasia in the published literature (PMID: 25614871, 28254233); Variant resulting in loss of the termination codon leading to protein extension by 101 amino acids; Several different variants resulting in similar protein extensions have been reported in the Human Gene Mutation Database associated with thanatophoric dysplasia (HGMD), and have apparently similar functional consequences on protein stability and/or processing (PMID: 17509076, 17320202); Not observed at significant frequency in large population cohorts (gnomAD); This variant is associated with the following publications: (PMID: 22045636, 28254233, 9677066, 28249712, 19449430, 22414243, 10360402, 19066716, 24295726, 30048571, 25728633, 30692697, 34958143, 34358384, 20301540, 17509076, 17320202, 7647778, 25614871)

CeGaT Center for Human Genetics Tuebingen
Classification: Pathogenic. Last evaluated: 2018-04-01. Review status: criteria provided, single submitter. Criteria: CeGaT Center For Human Genetics Tuebingen Variant Classification Criteria Version 2. Collection method: clinical testing. Allele origin: germline. Affected: yes. Observed: 1 variant allele.

Institute Of Reproduction And Development, Obstetrics and Gynecology Hospital, Fudan University
Classification: Pathogenic. Last evaluated: 2022-03-03. Review status: no assertion criteria provided. Collection method: research. Allele origin: germline. Affected: yes. Not counted in ClinVar's aggregate classification.

Baylor Genetics
Classification: Pathogenic for thanatophoric dysplasia type 1. Last evaluated: 2018-11-18. Review status: no assertion criteria provided. Collection method: clinical testing. Allele origin: germline. Affected: yes. Not counted in ClinVar's aggregate classification.

OMIM
Classification: Pathogenic for THANATOPHORIC DYSPLASIA, TYPE I. Last evaluated: 1995-05-01. Review status: no assertion criteria provided. Collection method: literature only. Allele origin: germline. Not counted in ClinVar's aggregate classification.

GeneReviews
No classification provided. Condition: Thanatophoric dysplasia type 1. Review status: no classification provided. Collection method: literature only. Allele origin: unknown. Not counted in ClinVar's aggregate classification.

Literature cited by the submitters: PubMed 17320202 (cited by Genomenon, Inc); PubMed 17507011 (cited by Genomenon, Inc); PubMed 10 (cited by Genomenon, Inc); PubMed 17509076 (cited by Genomenon, Inc); PubMed 37875969 (cited by Genomenon, Inc); PubMed 34367232 (cited by Genomenon, Inc); PubMed 33942288 (cited by Genomenon, Inc); PubMed 31476288 (cited by Genomenon, Inc); PubMed 31299979 (cited by Genomenon, Inc); PubMed 21671381 (cited by Genomenon, Inc); PubMed 30692697 (cited by Genomenon, Inc); PubMed 29593476 (cited by Genomenon, Inc); PubMed 28254233 (cited by Genomenon, Inc); PubMed 8723101 (cited by Genomenon, Inc); PubMed 12210587 (cited by Genomenon, Inc); PubMed 12368206 (cited by Genomenon, Inc); PubMed 18923003 (cited by Genomenon, Inc); PubMed 19215249 (cited by Genomenon, Inc); PubMed 24863959 (cited by Genomenon, Inc); PubMed 25614871 (cited by Genomenon, Inc); PubMed 39357670 (cited by Genomenon, Inc); PubMed 25728633 (cited by Genomenon, Inc); PubMed 8845844 (cited by Genomenon, Inc); PubMed 30048571 (cited by Genomenon, Inc); PubMed 29542187 (cited by Genomenon, Inc); PubMed 16841094 (cited by Genomenon, Inc); PubMed 35793999 (cited by Genomenon, Inc); PubMed 34582081 (cited by Genomenon, Inc); PubMed 29068064 (cited by Genomenon, Inc); PubMed 9154000 (cited by Genomenon, Inc); PubMed 26003532 (cited by Genomenon, Inc); PubMed 27987249 (cited by Genomenon, Inc); PubMed 28249712 (cited by Genomenon, Inc); PubMed 9229114 (cited by Genomenon, Inc); PubMed 9076574 (cited by Genomenon, Inc); PubMed 19293680 (cited by Genomenon, Inc); PubMed 7573032 (cited by Genomenon, Inc); PubMed 14745970 (cited by Genomenon, Inc); PubMed 15769677 (cited by Genomenon, Inc); PubMed 9055906 (cited by Genomenon, Inc); PubMed 10425034 (cited by Genomenon, Inc); PubMed 10696568 (cited by Genomenon, Inc); PubMed 11181569 (cited by Genomenon, Inc); PubMed 11241532 (cited by Genomenon, Inc); PubMed 12357475 (cited by Genomenon, Inc); PubMed 17630040 (cited by Genomenon, Inc); PubMed 19066716 (cited by Genomenon, Inc); PubMed 19449430 (cited by Genomenon, Inc); PubMed 19752524 (cited by Genomenon, Inc); PubMed 22414243 (cited by Genomenon, Inc); PubMed 24075385 (cited by Genomenon, Inc); PubMed 25671245 (cited by Genomenon, Inc); PubMed 25800480 (cited by Genomenon, Inc); PubMed 14534538 (cited by Genomenon, Inc); PubMed 17103447 (cited by Genomenon, Inc); PubMed 9133360 (cited by Genomenon, Inc); PubMed 26224133 (cited by Genomenon, Inc); PubMed 22045636 (cited by Genomenon, Inc); PubMed 7647778 (cited by Genomenon, Inc and OMIM); PubMed 20301540 (cited by GeneReviews); NCBI Bookshelf NBK1366 (cited by GeneReviews).